The following is an entry in ClinVar:

ClinVar aggregate classification (germline): Likely benign (0 of 4 stars; one submission).

Conditions:
DLGAP2-related disorder. Also called: DLGAP2-related condition.

Submission:

PreventionGenetics, part of Exact Sciences
Classification: Likely benign for DLGAP2-related condition. Last evaluated: 2019-09-18. Review status: no assertion criteria provided. Collection method: clinical testing. Allele origin: germline.
Comment: This variant is classified as likely benign based on ACMG/AMP sequence variant interpretation guidelines (Richards et al. 2015 PMID: 25741868, with internal and published modifications).

NM_001346810.2(DLGAP2):c.2797-15TG[5]

Gene: DLGAP2 (DLG associated protein 2; plus strand). Cytogenetic location: 8p23.3.
Variant type: Microsatellite.
Coding change: c.2797-15TG[5] on transcript NM_001346810.2 (MANE Select); five copies in a row of the 2-base unit TG starting at c.2797-15.
Molecular consequence: intron variant.
Genome position: GRCh38 VCF-style: chr8-1697131-C-CTG. GRCh37 (hg19) VCF-style: chr8-1645297-C-CTG.
Identifiers: ClinVar variation 3041059 (VCV003041059.2), dbSNP rs1563069092, ClinGen allele CA579279196.